The following is an entry in ClinVar:

ClinVar aggregate classification (germline): Uncertain significance (1 of 4 stars; one submission).

Submission:

Ambry Genetics
Classification: Uncertain significance. Last evaluated: 2021-07-16. Review status: criteria provided, single submitter. Criteria: Ambry Variant Classification Scheme 2023. Collection method: clinical testing. Allele origin: germline.
Comment: The p.E636D variant (also known as c.1908G>T), located in coding exon 18 of the PRKDC gene, results from a G to T substitution at nucleotide position 1908. The glutamic acid at codon 636 is replaced by aspartic acid, an amino acid with highly similar properties. This amino acid position is conserved. In addition, this alteration is predicted to be tolerated by in silico analysis. Since supporting evidence is limited at this time, the clinical significance of this alteration remains unclear.

NM_006904.7(PRKDC):c.1908G>T (p.Glu636Asp)

Gene: PRKDC (protein kinase, DNA-activated, catalytic subunit; minus strand). Cytogenetic location: 8q11.21.
Variant type: single nucleotide variant.
Coding change: c.1908G>T on transcript NM_006904.7 (MANE Select); coding-DNA position 1908, G replaced by T.
Protein change: p.Glu636Asp; replaces glutamic acid 636 with aspartic acid.
Molecular consequence: missense variant.
Genome position (GRCh38, 1-based): chr8:47,929,997, C>A on the plus strand (G>T on the coding strand, the complement: PRKDC is on the minus strand). VCF-style: chr8-47929997-C-A. GRCh37 (hg19) VCF-style: chr8-48842557-C-A.
Other names: c.1908G>T, p.Glu636Asp (NM_001081640.2); short protein forms E636D.
Identifiers: ClinVar variation 1782444 (VCV001782444.2), dbSNP rs2551878646, ClinGen allele CA371164449.
Genomic context (GRCh38, chr8:47,929,997, plus strand): 5'-TTGCAAAATTAATTCATATGAAAATGAGTACACCCATGGTTCAAAAAATTCTGCTTGTTT[C>A]TCAGGGAGAATCTCTCTGTAAAAACAAATTAGAAATTGAAGGTAGAAATTTGTATCATTC-3'
Protein context (NP_008835.5, residues 626-646): LVEFCREILP[Glu636Asp]KQAEFFEPWV